The following is an entry in ClinVar:

ClinVar aggregate classification (germline): Uncertain significance. Review status: criteria provided, multiple submitters, no conflicts (2 of 4 stars). 2 submissions from 2 submitters: Uncertain significance (2). Last evaluated 2024-05-09.

Conditions:
Pheochromocytoma/paraganglioma syndrome 4. Also called: SDHB-Related Hereditary Paraganglioma-Pheochromocytoma Syndrome (Paragangliomas 4); PARAGANGLIOMA, FAMILIAL MALIGNANT; PARAGANGLIOMAS, HEREDITARY EXTRAADRENAL; PHEOCHROMOCYTOMA, FAMILIAL EXTRAADRENAL; Paragangliomas 4; CAROTID BODY TUMORS AND MULTIPLE EXTRAADRENAL PHEOCHROMOCYTOMAS. Identifiers: Orphanet 29072, MedGen C1861848, MONDO:0007273, OMIM 115310.
Gastrointestinal stromal tumor. Also called: Gastrointestinal stroma tumor; Gastrointestinal stromal tumor, somatic. Identifiers: Orphanet 44890, MedGen C0238198, MeSH D046152, MONDO:0011719, OMIM 606764, HP:0100723.
Pheochromocytoma. Also called: MAX-Related Hereditary Paraganglioma-Pheochromocytoma Syndrome. Identifiers: Orphanet 29072, MedGen C0031511, MONDO:0008233, OMIM 171300, HP:0002666.
Hereditary cancer-predisposing syndrome. Also called: Tumor predisposition; Hereditary neoplastic syndrome; Hereditary Cancer Syndrome; Neoplastic Syndromes, Hereditary. Identifiers: Orphanet 140162, MedGen C0027672, MeSH D009386, MONDO:0015356.

Submissions (2):

Ambry Genetics
Classification: Uncertain significance for Hereditary cancer-predisposing syndrome. Last evaluated: 2024-05-09. Review status: criteria provided, single submitter. Criteria: Ambry Variant Classification Scheme 2023. Collection method: clinical testing. Allele origin: germline.
Comment: The p.I77V variant (also known as c.229A>G), located in coding exon 3 of the SDHB gene, results from an A to G substitution at nucleotide position 229. The isoleucine at codon 77 is replaced by valine, an amino acid with highly similar properties. This amino acid position is highly conserved in available vertebrate species. In addition, the in silico prediction for this alteration is inconclusive. Since supporting evidence is limited at this time, the clinical significance of this alteration remains unclear.

Labcorp Genetics (formerly Invitae), Labcorp
Classification: Uncertain significance for Gastrointestinal stromal tumor; Pheochromocytoma/paraganglioma syndrome 4; Pheochromocytoma. Last evaluated: 2022-12-10. Review status: criteria provided, single submitter. Criteria: Invitae Variant Classification Sherloc (09022015). Collection method: clinical testing. Allele origin: germline.
Comment: In summary, the available evidence is currently insufficient to determine the role of this variant in disease. Therefore, it has been classified as a Variant of Uncertain Significance. Advanced modeling of protein sequence and biophysical properties (such as structural, functional, and spatial information, amino acid conservation, physicochemical variation, residue mobility, and thermodynamic stability) performed at Invitae indicates that this missense variant is not expected to disrupt SDHB protein function. ClinVar contains an entry for this variant (Variation ID: 486421). This variant has not been reported in the literature in individuals affected with SDHB-related conditions. This variant is not present in population databases (gnomAD no frequency). This sequence change replaces isoleucine, which is neutral and non-polar, with valine, which is neutral and non-polar, at codon 77 of the SDHB protein (p.Ile77Val).

NM_003000.3(SDHB):c.229A>G (p.Ile77Val)

Gene: SDHB (succinate dehydrogenase complex iron sulfur subunit B; minus strand). Cytogenetic location: 1p36.13.
Variant type: single nucleotide variant.
Coding change: c.229A>G on transcript NM_003000.3 (MANE Select); coding-DNA position 229, A replaced by G.
Protein change: p.Ile77Val; replaces isoleucine 77 with valine.
Molecular consequence: missense variant.
Genome position (GRCh38, 1-based): chr1:17,033,117, T>C on the plus strand (A>G on the coding strand, the complement: SDHB is on the minus strand). VCF-style: chr1-17033117-T-C. GRCh37 (hg19) VCF-style: chr1-17359612-T-C.
Other names: short protein forms I77V.
Identifiers: ClinVar variation 486421 (VCV000486421.9), dbSNP rs1553178046, ClinGen allele CA338276588.
Genomic context (GRCh38, chr1:17,033,117, plus strand): 5'-CACCTTCTCTGCATGATCTTCGGAAGGTCAAAGTAGAGTCAACTTCATTCTTAATCTTGA[T>C]TAAAGCATCCAATACCATGGGGCCACATCTAACAAAGAAAAATATCCAGTGGTATTTATG-3'
Protein context (NP_002991.2, residues 67-87): KCGPMVLDAL[Ile77Val]KIKNEVDSTL